The following is an entry in ClinVar:

NM_005359.6(SMAD4):c.250G>T (p.Val84Leu)

Gene: SMAD4 (SMAD family member 4; plus strand). Cytogenetic location: 18q21.2.
Variant type: single nucleotide variant.
Coding change: c.250G>T on transcript NM_005359.6 (MANE Select); coding-DNA position 250, G replaced by T.
Protein change: p.Val84Leu; replaces valine 84 with leucine.
Molecular consequence: missense variant. On other transcripts: non-coding transcript variant (2).
Genome position (GRCh38, 1-based): chr18:51,048,686, G>T. VCF-style: chr18-51048686-G-T. GRCh37 (hg19) VCF-style: chr18-48575056-G-T.
Other names: c.250G>T, p.Val84Leu (NM_001407041.1, NM_001407042.1, NM_001407043.1); short protein forms V84L.
Identifiers: ClinVar variation 2452513 (VCV002452513.2), dbSNP rs2144405064, ClinGen allele CA402458167.

ClinVar aggregate classification (germline): Uncertain significance (1 of 4 stars; one submission).

Conditions:
Familial thoracic aortic aneurysm and aortic dissection (TAAD). Also called: Thoracic aortic aneurysms and dissections. Identifiers: Orphanet 91387, MedGen C4707243, MONDO:0019625.
Hereditary cancer-predisposing syndrome. Also called: Neoplastic Syndromes, Hereditary; Tumor predisposition; Hereditary neoplastic syndrome; Hereditary Cancer Syndrome. Identifiers: Orphanet 140162, MedGen C0027672, MeSH D009386, MONDO:0015356.

Submission:

Ambry Genetics
Classification: Uncertain significance for Hereditary cancer-predisposing syndrome; Familial thoracic aortic aneurysm and aortic dissection. Last evaluated: 2023-01-01. Review status: criteria provided, single submitter. Criteria: Ambry Variant Classification Scheme 2023. Collection method: clinical testing. Allele origin: germline.
Comment: The p.V84L variant (also known as c.250G>T) is located in coding exon 2 of the SMAD4 gene. The valine at codon 84 is replaced by leucine, an amino acid with highly similar properties. This change occurs in the first base pair of coding exon 2. This amino acid position is conserved. In addition, this alteration is predicted to be deleterious by in silico analysis. Since supporting evidence is limited at this time, the clinical significance of this alteration remains unclear.